The following is an entry in ClinVar:

ClinVar aggregate classification (germline): Uncertain significance (1 of 4 stars; one submission).

gnomAD v4.1: 8 of 1,613,916 alleles (0.0005%); no homozygotes.

Submission:

Labcorp Genetics (formerly Invitae), Labcorp
Classification: Uncertain significance. Last evaluated: 2024-02-11. Review status: criteria provided, single submitter. Criteria: Invitae Variant Classification Sherloc (09022015). Collection method: clinical testing. Allele origin: germline.
Comment: This sequence change falls in intron 10 of the CTR9 gene. It does not directly change the encoded amino acid sequence of the CTR9 protein. It affects a nucleotide within the consensus splice site. This variant is present in population databases (rs781345371, gnomAD 0.05%). This variant has not been reported in the literature in individuals affected with CTR9-related conditions. Variants that disrupt the consensus splice site are a relatively common cause of aberrant splicing (PMID: 17576681, 9536098). Algorithms developed to predict the effect of sequence changes on RNA splicing suggest that this variant is not likely to affect RNA splicing. In summary, the available evidence is currently insufficient to determine the role of this variant in disease. Therefore, it has been classified as a Variant of Uncertain Significance.

Literature cited by the submitters: PubMed 17576681; PubMed 9536098.

NM_014633.5(CTR9):c.1285-3C>T

Genes: CTR9 (CTR9 component of Paf1/RNA polymerase II complex; plus strand), LOC126861140 (CDK7 strongly-dependent group 2 enhancer GRCh37_chr11:10785333-10786532; plus strand). Cytogenetic location: 11p15.4.
Variant type: single nucleotide variant.
Coding change: c.1285-3C>T on transcript NM_014633.5 (MANE Select); 3 bases into the intron before coding-DNA position 1285, C replaced by T.
Molecular consequence: intron variant.
Genome position (GRCh38, 1-based): chr11:10,764,305, C>T. VCF-style: chr11-10764305-C-T. GRCh37 (hg19) VCF-style: chr11-10785852-C-T.
Other names: c.1285-3C>T (NM_001346279.2).
Identifiers: ClinVar variation 3709674 (VCV003709674.2).